The following is an entry in ClinVar:

ClinVar aggregate classification (germline): Pathogenic (1 of 4 stars; one submission).

Conditions:
Breast-ovarian cancer, familial, susceptibility to, 2 (BROVCA2). Also called: BRCA2 Hereditary Breast and Ovarian Cancer. Identifiers: Orphanet 145, MedGen C2675520, MONDO:0012933, OMIM 612555. Disease mechanism: loss of function.

Submission:

Myriad Genetics, Inc.
Classification: Pathogenic for Breast-ovarian cancer, familial, susceptibility to, 2. Last evaluated: 2024-02-29. Review status: criteria provided, single submitter. Criteria: Myriad Autosomal Dominant, Autosomal Recessive and X-Linked Classification Criteria (2023). Collection method: clinical testing. Allele origin: unknown.
Comment: This variant is considered pathogenic. This variant creates a termination codon and is predicted to result in premature protein truncation.

NM_000059.4(BRCA2):c.760_761delinsTG (p.Glu254Ter)

Gene: BRCA2 (BRCA2 DNA repair associated; plus strand). Cytogenetic location: 13q13.1.
Variant type: Indel.
Coding change: c.760_761delinsTG on transcript NM_000059.4 (MANE Select); coding-DNA positions 760 to 761, GA replaced by TG.
Protein change: p.Glu254Ter; replaces glutamic acid 254 with a stop codon.
Molecular consequence: nonsense. On other transcripts: non-coding transcript variant (1).
Genome position (GRCh38, 1-based): chr13:32,330,997-32,330,998, GA replaced by TG. VCF-style: chr13-32330997-GA-TG. GRCh37 (hg19) VCF-style: chr13-32905134-GA-TG.
Other names: c.760_761delinsTG, p.Glu254Ter (NM_001406719.1, NM_001406720.1, NM_001406721.1); c.391_392delinsTG, p.Glu131Ter (NM_001406722.1); short protein forms E131*, E254*.
Identifiers: ClinVar variation 3148712 (VCV003148712.1), dbSNP rs2548518064, ClinGen allele CA2825002121.